The following is an entry in ClinVar:

NM_030928.4(CDT1):c.1560C>A (p.Tyr520Ter)

Gene: CDT1 (chromatin licensing and DNA replication factor 1; plus strand). Cytogenetic location: 16q24.3.
Variant type: single nucleotide variant.
Coding change: c.1560C>A on transcript NM_030928.4 (MANE Select); coding-DNA position 1560, C replaced by A.
Protein change: p.Tyr520Ter; replaces tyrosine 520 with a stop codon.
Molecular consequence: nonsense.
Genome position (GRCh38, 1-based): chr16:88,808,197, C>A. VCF-style: chr16-88808197-C-A. GRCh37 (hg19) VCF-style: chr16-88874605-C-A.
Other names: short protein forms Y520*.
Identifiers: ClinVar variation 2137860 (VCV002137860.4), dbSNP rs147914553, ClinGen allele CA397083437.

ClinVar aggregate classification (germline): Pathogenic (1 of 4 stars; one submission).

gnomAD v4.1: 21 of 1,612,642 alleles (0.0013%); highest among the groups gnomAD compares: Non-Finnish European, 0.0017%; no homozygotes.

Submission:

Labcorp Genetics (formerly Invitae), Labcorp
Classification: Pathogenic. Last evaluated: 2022-09-10. Review status: criteria provided, single submitter. Criteria: Invitae Variant Classification Sherloc (09022015). Collection method: clinical testing. Allele origin: germline.
Comment: This sequence change creates a premature translational stop signal (p.Tyr520*) in the CDT1 gene. While this is not anticipated to result in nonsense mediated decay, it is expected to disrupt the last 27 amino acid(s) of the CDT1 protein. This variant is not present in population databases (gnomAD no frequency). This premature translational stop signal has been observed in individuals with Meier-Gorlin syndrome (PMID: 21358632). It has also been observed to segregate with disease in related individuals. This variant is also known as Tyr520X and Y520X. For these reasons, this variant has been classified as Pathogenic.

Literature cited by the submitters: PubMed 21358632.